The following is an entry in ClinVar:

NM_001754.5(RUNX1):c.234G>A (p.Met78Ile)

Gene: RUNX1 (RUNX family transcription factor 1; minus strand). Cytogenetic location: 21q22.12.
Variant type: single nucleotide variant.
Coding change: c.234G>A on transcript NM_001754.5 (MANE Select); coding-DNA position 234, G replaced by A.
Protein change: p.Met78Ile; replaces methionine 78 with isoleucine.
Molecular consequence: missense variant.
Genome position (GRCh38, 1-based): chr21:34,886,960, C>T on the plus strand (G>A on the coding strand, the complement: RUNX1 is on the minus strand). VCF-style: chr21-34886960-C-T. GRCh37 (hg19) VCF-style: chr21-36259257-C-T.
Other names: NM_001754.5(RUNX1):c.234G>A; p.Met78Ile; c.153G>A, p.Met51Ile (NM_001001890.3, NM_001122607.2); short protein forms M51I, M78I.
Identifiers: ClinVar variation 1061802 (VCV001061802.10), dbSNP rs2146411164, ClinGen allele CA410203838.

ClinVar aggregate classification (germline): Uncertain significance. Review status: reviewed by expert panel (3 of 4 stars). 2 submissions from 2 submitters: Uncertain significance (1). 1 of the submissions does not count toward it. Last evaluated 2024-10-29.

Conditions:
Hereditary thrombocytopenia and hematological cancer predisposition syndrome associated with RUNX1. Also called: PLATELET DISORDER, ASPIRIN-LIKE; Familial Platelet Disorder with Propensity to Acute Myelogenous Leukemia; Familial thrombocytopenia with propensity to acute myelogenous leukemia; RUNX1 Familial Platelet Disorder with Associated Myeloid Malignancies. Identifiers: Orphanet 71290, MedGen C1832388, MeSH C563324, MONDO:0100083, OMIM 601399.
Hereditary thrombocytopenia and hematologic cancer predisposition syndrome. Identifiers: Orphanet 71290, MedGen CN281654, MONDO:0011071.

gnomAD v4.1: 1 of 1,611,974 alleles (0.000062%); highest among the groups gnomAD compares: Non-Finnish European, 0.000085%; no homozygotes.

Submissions (2):

ClinGen Myeloid Malignancy Variant Curation Expert Panel
Classification: Uncertain significance for Hereditary thrombocytopenia and hematologic cancer predisposition syndrome. Last evaluated: 2024-10-29. Review status: reviewed by expert panel. Criteria: ClinGen MyeloMalig ACMG Specifications v2. Collection method: curation. Allele origin: germline. Inheritance: Autosomal dominant inheritance.
Comment: NM_001754.5(RUNX1):c.234G>A (p.Met78Ile) is a missense variant which is completely absent from all population databases with at least 20x coverage for RUNX1 (PM2_Supporting). In summary, the clinical significance of this variant is uncertain. ACMG/AMP criteria applied, as specified by the Myeloid Malignancy Variant Curation Expert Panel for RUNX1: PM2_supporting.

Labcorp Genetics (formerly Invitae), Labcorp
Classification: Uncertain significance for Hereditary thrombocytopenia and hematological cancer predisposition syndrome associated with RUNX1. Last evaluated: 2020-03-14. Review status: criteria provided, single submitter. Criteria: Invitae Variant Classification Sherloc (09022015). Collection method: clinical testing. Allele origin: germline. Not counted in ClinVar's aggregate classification.
Comment: This sequence change replaces methionine with isoleucine at codon 78 of the RUNX1 protein (p.Met78Ile). The methionine residue is moderately conserved and there is a small physicochemical difference between methionine and isoleucine. In summary, the available evidence is currently insufficient to determine the role of this variant in disease. Therefore, it has been classified as a Variant of Uncertain Significance. Algorithms developed to predict the effect of missense changes on protein structure and function are either unavailable or do not agree on the potential impact of this missense change (SIFT: "Tolerated"; PolyPhen-2: "Probably Damaging"; Align-GVGD: "Class C0"). This variant has not been reported in the literature in individuals with RUNX1-related conditions. This variant is not present in population databases (ExAC no frequency).